The following is an entry in ClinVar:

NM_001377265.1(MAPT):c.1670A>C (p.Gln557Pro)

Gene: MAPT (microtubule associated protein tau). Cytogenetic location: 17q21.31.
Variant type: single nucleotide variant.
Coding change: c.1670A>C on transcript NM_001377265.1 (MANE Select); coding-DNA position 1670, A replaced by C.
Protein change: p.Gln557Pro; replaces glutamine 557 with proline.
Molecular consequence: missense variant. On other transcripts: non-coding transcript variant (1).
Genome position (GRCh38, 1-based): chr17:45,991,524, A>C. VCF-style: chr17-45991524-A-C. GRCh37 (hg19) VCF-style: chr17-44068890-A-C.
Other names: c.1445A>C, p.Gln482Pro (NM_001123066.4, NM_016835.5); c.407A>C, p.Gln136Pro (NM_001123067.4, NM_001203251.2, NM_001377267.1); c.494A>C, p.Gln165Pro (NM_001203252.2, NM_005910.6); c.1472A>C, p.Gln491Pro (NM_001377266.1); c.320A>C, p.Gln107Pro (NM_001377268.1, NM_016834.5, NM_016841.5); short protein forms Q136P, Q557P, Q107P, Q165P, Q482P, Q491P.
Identifiers: ClinVar variation 3695775 (VCV003695775.2).

ClinVar aggregate classification (germline): Uncertain significance (1 of 4 stars; one submission).

Conditions:
Frontotemporal dementia (FTD1). Also called: Frontotemporal Dementia with Parkinsonism-17 (FTDP-17); Dementia, frontotemporal, with or without parkinsonism; MULTIPLE SYSTEM TAUOPATHY WITH PRESENILE DEMENTIA; Frontotemporal lobe dementia (FLDEM); WILHELMSEN-LYNCH DISEASE; FRONTOTEMPORAL LOBAR DEGENERATION WITH TAU INCLUSIONS. Identifiers: Orphanet 282, MedGen C0338451, MONDO:0017276, OMIM 600274, HP:0002145.

gnomAD v4.1: 14 of 1,614,218 alleles (0.00087%); highest among the groups gnomAD compares: Non-Finnish European, 0.0012%; no homozygotes.

Submission:

Labcorp Genetics (formerly Invitae), Labcorp
Classification: Uncertain significance for Frontotemporal dementia. Last evaluated: 2024-04-25. Review status: criteria provided, single submitter. Criteria: Invitae Variant Classification Sherloc (09022015). Collection method: clinical testing. Allele origin: germline.
Comment: This sequence change replaces glutamine, which is neutral and polar, with proline, which is neutral and non-polar, at codon 165 of the MAPT protein (p.Gln165Pro). This variant is present in population databases (rs568067396, gnomAD 0.0009%). This variant has not been reported in the literature in individuals affected with MAPT-related conditions. Advanced modeling of protein sequence and biophysical properties (such as structural, functional, and spatial information, amino acid conservation, physicochemical variation, residue mobility, and thermodynamic stability) performed at Invitae indicates that this missense variant is not expected to disrupt MAPT protein function with a negative predictive value of 80%. In summary, the available evidence is currently insufficient to determine the role of this variant in disease. Therefore, it has been classified as a Variant of Uncertain Significance.